The following is an entry in ClinVar:

NM_000214.3(JAG1):c.1485_1486del (p.Cys496fs)

Gene: JAG1 (jagged canonical Notch ligand 1; minus strand). Cytogenetic location: 20p12.2.
Variant type: Deletion.
Coding change: c.1485_1486del on transcript NM_000214.3 (MANE Select); coding-DNA positions 1485 to 1486, 2 bases deleted (CT; older notation c.1485_1486delCT).
Protein change: p.Cys496fs; shifts the reading frame from cysteine 496.
Molecular consequence: frameshift variant.
Genome position (GRCh38, 1-based): chr20:10,648,632-10,648,633, AG deleted on the plus strand (CT on the coding strand, the reverse complement: JAG1 is on the minus strand). VCF-style (leftmost placement, unchanged base first): chr20-10648631-CAG-C. GRCh37 (hg19) VCF-style: chr20-10629279-CAG-C.
Other names: c.1485_1486del, p.Cys496fs (LRG_1191t1); c.1485_1486delCT (NM_000214.3); short protein forms C496fs.
Identifiers: ClinVar variation 234321 (VCV000234321.35), dbSNP rs876660981, ClinGen allele CA10577609.

ClinVar aggregate classification (germline): Pathogenic. Review status: criteria provided, multiple submitters, no conflicts (2 of 4 stars). 6 submissions from 6 submitters: Pathogenic (5). 1 of the submissions does not count toward it. Last evaluated 2026-03-15.

Conditions:
JAG1-related disorder. Also called: JAG1-related disorders; JAG1-related condition.
Alagille syndrome due to a JAG1 point mutation. Also called: JAG1-Related Alagille Syndrome; Alagille Syndrome 1; HEPATIC DUCTULAR HYPOPLASIA, SYNDROMATIC. Identifiers: Orphanet 261619, Orphanet 52, MedGen C1956125, MONDO:0016862, OMIM 118450.
Tetralogy of Fallot (TOF). Identifiers: Orphanet 3303, MedGen C0039685, MONDO:0008542, OMIM 187500, HP:0001636.

Submissions (6):

PreventionGenetics, part of Exact Sciences
Classification: Pathogenic for JAG1-related condition. Last evaluated: 2026-03-15. Review status: criteria provided, single submitter. Criteria: ACMG Guidelines, 2015. Collection method: clinical testing. Allele origin: germline.
Comment: The JAG1 c.1485_1486delCT variant is predicted to result in a frameshift and premature protein termination (p.Cys496Phefs*9). This variant has been reported in multiple individuals with autosomal dominant JAG1 related disorders (Supplemental Table 7, Semenova et al. 2023. PubMed ID: 37511516; Bauer et al. 2010. PubMed ID: 20437614; Supplemental Table 4, Wang et al. 2022. PubMed ID: 35257483). This variant has not been reported in a large population database (gnomAD), indicating this variant is rare. Frameshift variants in JAG1 are expected to be pathogenic. This variant is interpreted as pathogenic.

CeGaT Center for Human Genetics Tuebingen
Classification: Pathogenic. Last evaluated: 2024-10-01. Review status: criteria provided, single submitter. Criteria: CeGaT Center For Human Genetics Tuebingen Variant Classification Criteria Version 2. Collection method: clinical testing. Allele origin: germline. Affected: yes. Observed: 2 variant alleles.
Comment: JAG1: PVS1, PM2, PS4:Moderate

Genomic Medicine Lab, University of California San Francisco
Classification: Pathogenic for Tetralogy of Fallot. Last evaluated: 2023-05-26. Review status: criteria provided, single submitter. Criteria: ACMG Guidelines, 2015. Collection method: clinical testing. Allele origin: de novo. Affected: no.

GeneDx
Classification: Pathogenic. Last evaluated: 2018-11-21. Review status: criteria provided, single submitter. Criteria: GeneDx Variant Classification (06012015). Collection method: clinical testing. Allele origin: germline. Affected: yes.
Comment: The c.1485_1486delCT pathogenic variant in the JAG1 gene has been reported previously in association with Alagille syndrome (Jurkiewicz et al., 2005; Crosnier et al., 1999). The c.1485_1486delCT variant was not observed in approximately 6,500 individuals of European and African American ancestry in the NHLBI Exome Sequencing Project, indicating it is not a common benign variant in these populations. The deletion causes a frameshift starting with codon Cysteine 496, changes this amino acid to a Phenylalanine residue and creates a premature Stop codon at position 9 of the new reading frame, denoted p.Cys496PhefsX9. This mutation is predicted to cause loss of normal protein function either through protein truncation or nonsense-mediated mRNA decay.

Eurofins Ntd Llc (ga)
Classification: Pathogenic. Last evaluated: 2016-12-27. Review status: criteria provided, single submitter. Criteria: EGL Classification Definitions 2015. Collection method: clinical testing. Allele origin: germline. Observed: 3 variant alleles, 3 heterozygotes.

OMIM
Classification: Pathogenic for ALAGILLE SYNDROME 1. Last evaluated: 2002-09-15. Review status: no assertion criteria provided. Collection method: literature only. Allele origin: germline. Not counted in ClinVar's aggregate classification.

Literature cited by the submitters: PubMed 10220506 (cited by Eurofins Ntd Llc (ga)); PubMed 15712272 (cited by Eurofins Ntd Llc (ga)); PubMed 12239725 (cited by OMIM).